The following is an entry in ClinVar:

NM_014846.4(WASHC5):c.2973T>G (p.Ile991Met)

Gene: WASHC5 (WASH complex subunit 5; minus strand). Cytogenetic location: 8q24.13.
Variant type: single nucleotide variant.
Coding change: c.2973T>G on transcript NM_014846.4 (MANE Select); coding-DNA position 2973, T replaced by G.
Protein change: p.Ile991Met; replaces isoleucine 991 with methionine.
Molecular consequence: missense variant.
Genome position (GRCh38, 1-based): chr8:125,038,941, A>C on the plus strand (T>G on the coding strand, the complement: WASHC5 is on the minus strand). VCF-style: chr8-125038941-A-C. GRCh37 (hg19) VCF-style: chr8-126051183-A-C.
Other names: c.2529T>G, p.Ile843Met (NM_001330609.2); short protein forms I991M, I843M.
Identifiers: ClinVar variation 2088836 (VCV002088836.4), dbSNP rs2537287274, ClinGen allele CA372184976.

ClinVar aggregate classification (germline): Uncertain significance (1 of 4 stars; one submission).

Conditions:
Hereditary spastic paraplegia 8 (SPG8). Also called: SPASTIC PARAPLEGIA 8, AUTOSOMAL DOMINANT. Identifiers: Orphanet 100989, MedGen C1863704, MONDO:0011339, OMIM 603563.
Ritscher-Schinzel syndrome. Also called: CRANIOCEREBELLOCARDIAC DYSPLASIA. Identifiers: Orphanet 7, MedGen C0796137, MONDO:0019078.

Submission:

Labcorp Genetics (formerly Invitae), Labcorp
Classification: Uncertain significance for Ritscher-Schinzel syndrome; Hereditary spastic paraplegia 8. Last evaluated: 2022-01-21. Review status: criteria provided, single submitter. Criteria: Invitae Variant Classification Sherloc (09022015). Collection method: clinical testing. Allele origin: germline.
Comment: In summary, the available evidence is currently insufficient to determine the role of this variant in disease. Therefore, it has been classified as a Variant of Uncertain Significance. Algorithms developed to predict the effect of missense changes on protein structure and function are either unavailable or do not agree on the potential impact of this missense change (SIFT: "Tolerated"; PolyPhen-2: "Probably Damaging"; Align-GVGD: "Class C0"). This variant has not been reported in the literature in individuals affected with WASHC5-related conditions. This variant is not present in population databases (gnomAD no frequency). This sequence change replaces isoleucine, which is neutral and non-polar, with methionine, which is neutral and non-polar, at codon 991 of the WASHC5 protein (p.Ile991Met).